The following is an entry in ClinVar:

NM_014915.3(ANKRD26):c.2367C>G (p.Cys789Trp)

Gene: ANKRD26 (ankyrin repeat domain 26; minus strand). Cytogenetic location: 10p12.1.
Variant type: single nucleotide variant.
Coding change: c.2367C>G on transcript NM_014915.3 (MANE Select); coding-DNA position 2367, C replaced by G.
Protein change: p.Cys789Trp; replaces cysteine 789 with tryptophan.
Molecular consequence: missense variant.
Genome position (GRCh38, 1-based): chr10:27,039,973, G>C on the plus strand (C>G on the coding strand, the complement: ANKRD26 is on the minus strand). VCF-style: chr10-27039973-G-C. GRCh37 (hg19) VCF-style: chr10-27328902-G-C.
Other names: c.2364C>G, p.Cys788Trp (NM_001256053.2); short protein forms C788W, C789W.
Identifiers: ClinVar variation 3710215 (VCV003710215.3).
Genomic context (GRCh38, chr10:27,039,973, plus strand): 5'-TATATCTTTAGTACAAATAGTTAAACATTTCTTTAAAACTAGGCTATCATACCTCAAAGA[G>C]CACAGTTCTCGTTCCCATTCAACTTTTTGATGCTCTAACTGTGATTTTATTTCTTTTGTT-3'
Protein context (NP_055730.2, residues 779-799): HQKVEWEREL[Cys789Trp]SLRFSLNQEE

ClinVar aggregate classification (germline): Uncertain significance. Review status: criteria provided, multiple submitters, no conflicts (2 of 4 stars). 2 submissions from 2 submitters: Uncertain significance (2). Last evaluated 2025-03-24.

Conditions:
Inborn genetic diseases. Identifiers: MedGen C0950123, MeSH D030342.

gnomAD v4.1: 5 of 1,612,962 alleles (0.00031%); highest among the groups gnomAD compares: Non-Finnish European, 0.00042%; no homozygotes.

Submissions (2):

Labcorp Genetics (formerly Invitae), Labcorp
Classification: Uncertain significance. Last evaluated: 2025-03-24. Review status: criteria provided, single submitter. Criteria: Invitae Variant Classification Sherloc (09022015). Collection method: clinical testing. Allele origin: germline.
Comment: This sequence change replaces cysteine, which is neutral and slightly polar, with tryptophan, which is neutral and slightly polar, at codon 789 of the ANKRD26 protein (p.Cys789Trp). This variant is present in population databases (rs376238364, gnomAD 0.003%). This variant has not been reported in the literature in individuals affected with ANKRD26-related conditions. An algorithm developed to predict the effect of missense changes on protein structure and function (PolyPhen-2) suggests that this variant is likely to be disruptive. In summary, the available evidence is currently insufficient to determine the role of this variant in disease. Therefore, it has been classified as a Variant of Uncertain Significance.

Ambry Genetics
Classification: Uncertain significance for Inborn genetic diseases. Last evaluated: 2025-01-27. Review status: criteria provided, single submitter. Criteria: Ambry Variant Classification Scheme 2023. Collection method: clinical testing. Allele origin: germline.
Comment: The p.C789W variant (also known as c.2367C>G), located in coding exon 21 of the ANKRD26 gene, results from a C to G substitution at nucleotide position 2367. The cysteine at codon 789 is replaced by tryptophan, an amino acid with highly dissimilar properties. This amino acid position is conserved. In addition, this alteration is predicted to be tolerated by in silico analysis. Based on the available evidence, the clinical significance of this variant remains unclear.